The following is an entry in ClinVar:

ClinVar aggregate classification (germline): Uncertain significance. Review status: criteria provided, multiple submitters, no conflicts (2 of 4 stars). 2 submissions from 2 submitters: Uncertain significance (2). Last evaluated 2024-03-06.

Conditions:
Hereditary cancer-predisposing syndrome. Also called: Neoplastic Syndromes, Hereditary; Tumor predisposition; Hereditary Cancer Syndrome; Hereditary neoplastic syndrome. Identifiers: Orphanet 140162, MedGen C0027672, MeSH D009386, MONDO:0015356.

Submissions (2):

Color Diagnostics, LLC DBA Color Health
Classification: Uncertain significance for Hereditary cancer-predisposing syndrome. Last evaluated: 2024-03-06. Review status: criteria provided, single submitter. Criteria: ACMG Guidelines, 2015. Collection method: clinical testing. Allele origin: germline.
Comment: This missense variant replaces leucine with arginine at codon 1282 of the ATM protein. Computational prediction suggests that this variant may have deleterious impact on protein structure and function (internally defined REVEL score threshold >= 0.7, PMID: 27666373). Splice site prediction tools suggest that this variant may not impact RNA splicing. To our knowledge, functional studies have not been performed for this variant. This variant has not been reported in individuals affected with hereditary cancer in the literature. This variant has not been identified in the general population by the Genome Aggregation Database (gnomAD). The available evidence is insufficient to determine the role of this variant in disease conclusively. Therefore, this variant is classified as a Variant of Uncertain Significance.

Ambry Genetics
Classification: Uncertain significance for Hereditary cancer-predisposing syndrome. Last evaluated: 2023-05-25. Review status: criteria provided, single submitter. Criteria: Ambry Variant Classification Scheme 2023. Collection method: clinical testing. Allele origin: germline.
Comment: The p.L1282R variant (also known as c.3845T>G), located in coding exon 25 of the ATM gene, results from a T to G substitution at nucleotide position 3845. The leucine at codon 1282 is replaced by arginine, an amino acid with dissimilar properties. This amino acid position is conserved. In addition, this alteration is predicted to be deleterious by in silico analysis. Since supporting evidence is limited at this time, the clinical significance of this alteration remains unclear.

NM_000051.4(ATM):c.3845T>G (p.Leu1282Arg)

Gene: ATM (ATM serine/threonine kinase; plus strand). Cytogenetic location: 11q22.3.
Variant type: single nucleotide variant.
Coding change: c.3845T>G on transcript NM_000051.4 (MANE Select); coding-DNA position 3845, T replaced by G.
Protein change: p.Leu1282Arg; replaces leucine 1282 with arginine.
Molecular consequence: missense variant.
Genome position (GRCh38, 1-based): chr11:108,284,325, T>G. VCF-style: chr11-108284325-T-G. GRCh37 (hg19) VCF-style: chr11-108155052-T-G.
Other names: c.3845T>G, p.Leu1282Arg (NM_001351834.2); short protein forms L1282R.
Identifiers: ClinVar variation 926799 (VCV000926799.6), dbSNP rs1591645828, ClinGen allele CA382525159.